The following is an entry in ClinVar:

NM_018292.5(QRSL1):c.24del (p.Val9fs)

Genes: QRSL1 (glutaminyl-tRNA amidotransferase subunit QRSL1; plus strand), RTN4IP1 (reticulon 4 interacting protein 1; minus strand), LOC129996910 (ATAC-STARR-seq lymphoblastoid active region 24892; plus strand). Cytogenetic location: 6q21.
Variant type: Deletion.
Coding change: c.24del on transcript NM_018292.5 (MANE Select); coding-DNA position 24, one base deleted (A; older notation c.24delA).
Protein change: p.Val9fs; shifts the reading frame from valine 9.
Molecular consequence: frameshift variant. On other transcripts: intron variant (1).
Genome position (GRCh38, 1-based): chr6:106,629,705, A deleted; the last of 2 consecutive A bases (chr6:106,629,704-106,629,705); deleting either gives the same sequence. VCF-style (leftmost placement, unchanged base first): chr6-106629703-GA-G. GRCh37 (hg19) VCF-style: chr6-107077578-GA-G.
Other names: c.-27+623del (NM_001318746.1); short protein forms V9fs.
Identifiers: ClinVar variation 3621031 (VCV003621031.2).

ClinVar aggregate classification (germline): Pathogenic (1 of 4 stars; one submission).

Submission:

Labcorp Genetics (formerly Invitae), Labcorp
Classification: Pathogenic. Last evaluated: 2024-08-05. Review status: criteria provided, single submitter. Criteria: Invitae Variant Classification Sherloc (09022015). Collection method: clinical testing. Allele origin: germline.
Comment: This sequence change creates a premature translational stop signal (p.Val9Phefs*5) in the QRSL1 gene. It is expected to result in an absent or disrupted protein product. Loss-of-function variants in QRSL1 are known to be pathogenic (PMID: 26741492, 29440775). This variant is not present in population databases (gnomAD no frequency). This variant has not been reported in the literature in individuals affected with QRSL1-related conditions. For these reasons, this variant has been classified as Pathogenic.

Literature cited by the submitters: PubMed 26741492; PubMed 29440775.